The following is an entry in ClinVar:

ClinVar aggregate classification (germline): Uncertain significance. Review status: criteria provided, multiple submitters, no conflicts (2 of 4 stars). 3 submissions from 3 submitters: Uncertain significance (3). Last evaluated 2025-08-05.

Conditions:
Cardiovascular phenotype. Identifiers: MedGen CN230736.
Brugada syndrome. Also called: Sudden Unexplained Death Syndrome; Sudden Unexplained Nocturnal Death Syndrome (SUNDS); Sudden unexpected nocturnal death syndrome; Sudden unexplained nocturnal death syndrome. Identifiers: Orphanet 130, MedGen C1142166, MONDO:0015263.

Allele frequency attached by ClinVar (database versions not stated): TOPMed 0.00003.
gnomAD v4.1: 117 of 1,614,040 alleles (0.0072%); highest among the groups gnomAD compares: Non-Finnish European, 0.0094%; no homozygotes.

Submissions (3):

Ambry Genetics
Classification: Uncertain significance for Cardiovascular phenotype. Last evaluated: 2025-08-05. Review status: criteria provided, single submitter. Criteria: Ambry Variant Classification Scheme 2023. Collection method: clinical testing. Allele origin: germline.
Comment: The c.2130T>A variant (also known as p.A710A), located in coding exon 14 of the SCN10A gene, results from a T to A substitution at nucleotide position 2130. This nucleotide substitution does not change the amino acid at codon 710. This nucleotide position is not well conserved in available vertebrate species. In silico splice site analysis predicts that this alteration may weaken the native splice acceptor site and will result in the creation or strengthening of a novel splice acceptor site. The evidence for this gene-disease relationship is limited; therefore, the clinical significance of this alteration is unclear.

Labcorp Genetics (formerly Invitae), Labcorp
Classification: Uncertain significance for Brugada syndrome. Last evaluated: 2025-07-23. Review status: criteria provided, single submitter. Criteria: Invitae Variant Classification Sherloc (09022015). Collection method: clinical testing. Allele origin: germline.
Comment: This sequence change affects codon 710 of the SCN10A mRNA. It is a 'silent' change, meaning that it does not change the encoded amino acid sequence of the SCN10A protein. This variant is present in population databases (rs778052433, gnomAD 0.007%). This variant has not been reported in the literature in individuals affected with SCN10A-related conditions. ClinVar contains an entry for this variant (Variation ID: 854639). Algorithms developed to predict the effect of sequence changes on RNA splicing suggest that this variant may disrupt the consensus splice site. In summary, the available evidence is currently insufficient to determine the role of this variant in disease. Therefore, it has been classified as a Variant of Uncertain Significance.

GeneDx
Classification: Uncertain significance. Last evaluated: 2024-01-18. Review status: criteria provided, single submitter. Criteria: GeneDx Variant Classification Process June 2021. Collection method: clinical testing. Allele origin: germline. Affected: yes.
Comment: In silico analysis supports a deleterious effect on splicing; Has not been previously published as pathogenic or benign to our knowledge

NM_006514.4(SCN10A):c.2130T>A (p.Ala710=)

Gene: SCN10A (sodium voltage-gated channel alpha subunit 10; minus strand). Cytogenetic location: 3p22.2.
Variant type: single nucleotide variant.
Coding change: c.2130T>A on transcript NM_006514.4 (MANE Select); coding-DNA position 2130, T replaced by A.
Protein change: p.Ala710=; no amino-acid change (alanine 710 retained).
Molecular consequence: synonymous variant.
Genome position (GRCh38, 1-based): chr3:38,739,665, A>T on the plus strand (T>A on the coding strand, the complement: SCN10A is on the minus strand). VCF-style: chr3-38739665-A-T. GRCh37 (hg19) VCF-style: chr3-38781156-A-T.
Other names: c.2130T>A, p.Ala710= (NM_001293306.2); c.1836T>A, p.Ala612= (NM_001293307.2); c.2130T>A (NM_006514.2).
Identifiers: ClinVar variation 854639 (VCV000854639.9), dbSNP rs778052433, ClinGen allele CA2320627.
Genomic context (GRCh38, chr3:38,739,665, plus strand): 5'-ATTCCACTTCTTCTGGAAATAATAGTATGGGTCGAAGGCAATGATTTTGAAGACCATTTC[A>T]GCAGTAAAAAATATGGTAAAGACCTAGGAGTGGAAACAAGCTTTCATCACAGTGGGATCT-3'
Protein context (NP_006505.4, residues 700-720): GNIVFTIFFT[Ala710=]EMVFKIIAFD